The following is an entry in ClinVar:

NM_004006.3(DMD):c.9974+2T>G

Gene: DMD (dystrophin; minus strand). Cytogenetic location: Xp21.2.
Variant type: single nucleotide variant.
Coding change: c.9974+2T>G on transcript NM_004006.3 (MANE Select); the canonical splice donor site of the intron after coding-DNA position 9974, T replaced by G.
Molecular consequence: splice donor variant.
Genome position (GRCh38, 1-based): chrX:31,182,736, A>C on the plus strand (T>G on the coding strand, the complement: DMD is on the minus strand). VCF-style: chrX-31182736-A-C. GRCh37 (hg19) VCF-style: chrX-31200853-A-C.
Other names: c.9950+2T>G (NM_000109.4); c.5951+2T>G (NM_004011.4); c.5942+2T>G (NM_004012.4); c.2594+2T>G (NM_004023.3, NM_004020.4, NM_004022.3 and 2 more transcripts); c.1787+2T>G (NM_004014.3); c.770+2T>G (NM_004018.3, NM_004017.3, NM_004016.3 and 2 more transcripts); c.9962+2T>G (NM_004009.3); c.9605+2T>G (NM_004010.3).
Identifiers: ClinVar variation 2023567 (VCV002023567.5), dbSNP rs2148333619, ClinGen allele CA412653254.
Genomic context (GRCh38, chrX:31,182,736, plus strand): 5'-AAGTCATAAAAAGGTGAAAAATGATGAGAAAAAAATGACATTTTTTTTTTGGTTCCTAAT[A>C]CCTGAATCCAATGATTGGACACTCTTTGCAGATGTTACATTTGGCCTGATGCTTGGCAGT-3'

ClinVar aggregate classification (germline): Pathogenic (1 of 4 stars; one submission).

Conditions:
Duchenne muscular dystrophy (DMD). Also called: MUSCULAR DYSTROPHY, PSEUDOHYPERTROPHIC PROGRESSIVE, DUCHENNE TYPE; Duchenne Muscular Dystrophy (DMD). Identifiers: Orphanet 98896, MedGen C0013264, MONDO:0010679, OMIM 310200.

Submissions (3):

Labcorp Genetics (formerly Invitae), Labcorp
Classification: Pathogenic for Duchenne muscular dystrophy. Last evaluated: 2022-08-11. Review status: criteria provided, single submitter. Criteria: Invitae Variant Classification Sherloc (09022015). Collection method: clinical testing. Allele origin: germline.
Comment: For these reasons, this variant has been classified as Pathogenic. Studies have shown that disruption of this splice site results in skipping of exon 68 and introduces a premature termination codon (PMID: 1549596). The resulting mRNA is expected to undergo nonsense-mediated decay. Disruption of this splice site has been observed in individual(s) with Duchenne muscular dystrophy (PMID: 1549596). This variant is not present in population databases (gnomAD no frequency). This sequence change affects a donor splice site in intron 68 of the DMD gene. RNA analysis indicates that disruption of this splice site induces altered splicing and may result in an absent or disrupted protein product. However, the current clinical and genetic evidence is not sufficient to establish whether loss-of-function variants in DMD cause disease.

Dr. Peter K. Rogan Lab, Western University
No classification provided (evidence only). Condition: Thyroid cancer, nonmedullary, 1. Review status: no classification provided. Collection method: in vitro. Allele origin: not applicable. Functional consequence: skipped exon, retained intron. Not counted in ClinVar's aggregate classification.

Dr. Peter K. Rogan Lab, Western University
No classification provided (evidence only). Condition: Thyroid cancer, nonmedullary, 1. Review status: no classification provided. Collection method: in vitro. Allele origin: not applicable. Functional consequence: retained intron. Not counted in ClinVar's aggregate classification.

Literature cited by the submitters: PubMed 1549596 (cited by Labcorp Genetics (formerly Invitae), Labcorp).